The following is an entry in ClinVar:

ClinVar aggregate classification (germline): Uncertain significance (1 of 4 stars; one submission).

Conditions:
Hereditary sensory and autonomic neuropathy type 6. Also called: HSAN VI; Neuropathy, hereditary sensory and autonomic, type VI. Identifiers: Orphanet 314381, MedGen C3539003, MONDO:0013839, OMIM 614653.
Epidermolysis bullosa simplex 3, localized or generalized intermediate, with BP230 deficiency (EBS3). Also called: Epidermolysis bullosa simplex, autosomal recessive 2; Epidermolysis bullosa simplex due to BP230 deficiency. Identifiers: Orphanet 412181, MedGen C3809470, MONDO:0014180, OMIM 615425.

Allele frequency attached by ClinVar (database versions not stated): TOPMed below 0.00001.

Submission:

Labcorp Genetics (formerly Invitae), Labcorp
Classification: Uncertain significance for Epidermolysis bullosa simplex 3, localized or generalized intermediate, with BP230 deficiency; Hereditary sensory and autonomic neuropathy type 6. Last evaluated: 2020-10-30. Review status: criteria provided, single submitter. Criteria: Invitae Variant Classification Sherloc (09022015). Collection method: clinical testing. Allele origin: germline.
Comment: This sequence change replaces threonine with alanine at codon 3403 of the DST protein (p.Thr3403Ala). The DST gene has multiple clinically relevant transcripts. This variant occurs in alternate transcript NM_015548.4, and corresponds to NM_001723.5:c.*89103A>G in the primary transcript. This variant is not present in population databases (ExAC no frequency). This variant has not been reported in the literature in individuals with DST-related conditions. Experimental studies and prediction algorithms are not available or were not evaluated, and the functional significance of this variant is currently unknown. In summary, the available evidence is currently insufficient to determine the role of this variant in disease. Therefore, it has been classified as a Variant of Uncertain Significance.

NM_001374736.1(DST):c.18076A>G (p.Thr6026Ala)

Gene: DST (dystonin; minus strand). Cytogenetic location: 6p12.1.
Variant type: single nucleotide variant.
Coding change: c.18076A>G on transcript NM_001374736.1 (MANE Select); coding-DNA position 18076, A replaced by G.
Protein change: p.Thr6026Ala; replaces threonine 6026 with alanine.
Molecular consequence: missense variant.
Genome position (GRCh38, 1-based): chr6:56,526,414, T>C on the plus strand (A>G on the coding strand, the complement: DST is on the minus strand). VCF-style: chr6-56526414-T-C. GRCh37 (hg19) VCF-style: chr6-56391212-T-C.
Other names: c.11719A>G, p.Thr3907Ala (NM_001144769.5); c.11305A>G, p.Thr3769Ala (NM_001144770.2); c.18076A>G, p.Thr6026Ala (NM_001374722.1); c.17116A>G, p.Thr5706Ala (NM_001374729.1); c.10858A>G, p.Thr3620Ala (NM_001374730.1); c.18103A>G, p.Thr6035Ala (NM_001374734.1); c.11185A>G, p.Thr3729Ala (NM_001386100.1, NM_183380.4); c.10207A>G, p.Thr3403Ala (NM_015548.5); short protein forms T3403A, T3620A, T6026A, T3769A, T6035A, T3729A, T3907A, T5706A.
Identifiers: ClinVar variation 1475142 (VCV001475142.6), dbSNP rs879022500, ClinGen allele CA139188230.